The following is an entry in ClinVar:

NM_022132.5(MCCC2):c.1486C>T (p.Gln496Ter)

Gene: MCCC2 (methylcrotonyl-CoA carboxylase subunit 2; plus strand). Cytogenetic location: 5q13.2.
Variant type: single nucleotide variant.
Coding change: c.1486C>T on transcript NM_022132.5 (MANE Select); coding-DNA position 1486, C replaced by T.
Protein change: p.Gln496Ter; replaces glutamine 496 with a stop codon.
Molecular consequence: nonsense.
Genome position (GRCh38, 1-based): chr5:71,650,181, C>T. VCF-style: chr5-71650181-C-T. GRCh37 (hg19) VCF-style: chr5-70946008-C-T.
Other names: c.1372C>T, p.Gln458Ter (NM_001363147.1); c.1486C>T (NM_022132.4); short protein forms Q458*, Q496*.
Identifiers: ClinVar variation 2831962 (VCV002831962.4), dbSNP rs2530860140, ClinGen allele CA359999498.
Genomic context (GRCh38, chr5:71,650,181, plus strand): 5'-GAGCAGGCAGCCAATGTGTTGGCCACGATAACAAAGGACCAAAGAGCCCGGGAAGGAAAG[C>T]AGGTCGGTGTCGTTTTCTCTTGTTTCTCTCTGGTTTTGCCTCTCACCATAAACACCCTGG-3'

ClinVar aggregate classification (germline): Pathogenic/Likely pathogenic. Review status: criteria provided, multiple submitters, no conflicts (2 of 4 stars). 2 submissions from 2 submitters: Pathogenic (1); Likely pathogenic (1). Last evaluated 2024-04-23.

Conditions:
3-methylcrotonyl-CoA carboxylase 2 deficiency. Also called: METHYLCROTONYLGLYCINURIA, TYPE II; 3 alpha methylcrotonyl-CoA carboxylase 2 deficiency; 3 alpha methylcrotonylglycinuria 2; MCC 2 deficiency; Methylcrotonylglycinuria type 2. Identifiers: Orphanet 6, MedGen C1859499, MONDO:0008862, OMIM 210210.

Allele frequency attached by ClinVar (database versions not stated): gnomAD exomes below 0.00001.
gnomAD v4.1: 1 of 1,613,752 alleles (0.000062%); highest among the groups gnomAD compares: Non-Finnish European, 0.000085%; no homozygotes.

Submissions (2):

Natera, Inc.
Classification: Likely pathogenic for 3-methylcrotonyl-CoA carboxylase 2 deficiency. Last evaluated: 2024-04-23. Review status: criteria provided, single submitter. Criteria: Natera Variant Classification Schema (03/2026). Collection method: clinical testing. Allele origin: germline.
Comment: The c.1486C>T variant in MCCC2 is a nonsense variant predicted to introduce a stop codon at amino acid 496. This variant is expected to result in nonsense mediated decay, truncation, or a dysfunctional protein product. This variant is rare in the general population with a frequency below the threshold expected for the associated phenotype(s). Given the available evidence, this variant is classified as Likely Pathogenic.

Labcorp Genetics (formerly Invitae), Labcorp
Classification: Pathogenic for 3-methylcrotonyl-CoA carboxylase 2 deficiency. Last evaluated: 2023-01-25. Review status: criteria provided, single submitter. Criteria: Invitae Variant Classification Sherloc (09022015). Collection method: clinical testing. Allele origin: germline.
Comment: This variant has not been reported in the literature in individuals affected with MCCC2-related conditions. For these reasons, this variant has been classified as Pathogenic. Algorithms developed to predict the effect of sequence changes on RNA splicing suggest that this variant may create or strengthen a splice site. This variant is not present in population databases (gnomAD no frequency). This sequence change creates a premature translational stop signal (p.Gln496*) in the MCCC2 gene. It is expected to result in an absent or disrupted protein product. Loss-of-function variants in MCCC2 are known to be pathogenic (PMID: 11181649, 22642865).

Literature cited by the submitters: PubMed 11181649 (cited by Labcorp Genetics (formerly Invitae), Labcorp); PubMed 22642865 (cited by Labcorp Genetics (formerly Invitae), Labcorp).